The following is an entry in ClinVar:

NM_000421.5(KRT10):c.1411G>C (p.Gly471Arg)

Gene: KRT10 (keratin 10; minus strand). Cytogenetic location: 17q21.2.
Variant type: single nucleotide variant.
Coding change: c.1411G>C on transcript NM_000421.5 (MANE Select); coding-DNA position 1411, G replaced by C.
Protein change: p.Gly471Arg; replaces glycine 471 with arginine.
Molecular consequence: missense variant.
Genome position (GRCh38, 1-based): chr17:40,819,124, C>G on the plus strand (G>C on the coding strand, the complement: KRT10 is on the minus strand). VCF-style: chr17-40819124-C-G. GRCh37 (hg19) VCF-style: chr17-38975376-C-G.
Other names: c.1411G>C, p.Gly471Arg (NM_001379366.1); short protein forms G471R.
Identifiers: ClinVar variation 4995999 (VCV004995999.1).

ClinVar aggregate classification (germline): Likely benign (1 of 4 stars; one submission).

Conditions:
KRT10-related disorder. Also called: KRT10-related condition.

gnomAD v4.1: 56 of 1,529,420 alleles (0.0037%); highest among the groups gnomAD compares: East Asian, 0.12%; no homozygotes.

Submission:

PreventionGenetics, part of Exact Sciences
Classification: Likely benign for KRT10-related condition. Last evaluated: 2025-02-04. Review status: criteria provided, single submitter. Criteria: ACMG Guidelines, 2015. Collection method: clinical testing. Allele origin: germline.
Comment: This variant is classified as likely benign based on ACMG/AMP sequence variant interpretation guidelines (Richards et al. 2015 PMID: 25741868, with internal and published modifications).